The following is an entry in ClinVar:

ClinVar aggregate classification (germline): Uncertain significance. Review status: criteria provided, multiple submitters, no conflicts (2 of 4 stars). 3 submissions from 3 submitters: Uncertain significance (3). Last evaluated 2024-05-06.

Conditions:
Meckel-Gruber syndrome. Also called: GRUBER SYNDROME; DYSENCEPHALIA SPLANCHNOCYSTICA; Dysencephalia splachnocystica. Identifiers: Orphanet 564, MedGen C0265215, MONDO:0018921.
Nephronophthisis. Also called: Juvenile Nephronophthisis. Identifiers: Orphanet 655, MedGen C0687120, MONDO:0019005, HP:0000090.
Joubert syndrome. Also called: JOUBERT-BOLTSHAUSER SYNDROME; Familial aplasia of the vermis. Identifiers: Orphanet 475, MedGen C5979921, MONDO:0018772.
Inborn genetic diseases. Identifiers: MedGen C0950123, MeSH D030342.

Allele frequency attached by ClinVar (database versions not stated): gnomAD exomes below 0.00001; TOPMed below 0.00001; ExAC 0.00001.
gnomAD v4.1: 2 of 1,589,422 alleles (0.00013%); highest among the groups gnomAD compares: South Asian, 0.0024%; no homozygotes.

Submissions (3):

Blueprint Genetics
Classification: Uncertain significance. Last evaluated: 2024-05-06. Review status: criteria provided, single submitter. Criteria: ACMG Guidelines, 2015. Collection method: clinical testing. Allele origin: germline.

Ambry Genetics
Classification: Uncertain significance for Inborn genetic diseases. Last evaluated: 2024-01-04. Review status: criteria provided, single submitter. Criteria: Ambry Variant Classification Scheme 2023. Collection method: clinical testing. Allele origin: germline.

Labcorp Genetics (formerly Invitae), Labcorp
Classification: Uncertain significance for Joubert syndrome; Meckel-Gruber syndrome; Nephronophthisis. Last evaluated: 2021-04-22. Review status: criteria provided, single submitter. Criteria: Invitae Variant Classification Sherloc (09022015). Collection method: clinical testing. Allele origin: germline.
Comment: This sequence change replaces lysine with arginine at codon 2028 of the CEP290 protein (p.Lys2028Arg). The lysine residue is highly conserved and there is a small physicochemical difference between lysine and arginine. This variant is present in population databases (rs749626770, ExAC 0.006%). This variant has not been reported in the literature in individuals with CEP290-related disease. Algorithms developed to predict the effect of missense changes on protein structure and function (SIFT, PolyPhen-2, Align-GVGD) all suggest that this variant is likely to be tolerated, but these predictions have not been confirmed by published functional studies and their clinical significance is uncertain. In summary, the available evidence is currently insufficient to determine the role of this variant in disease. Therefore, it has been classified as a Variant of Uncertain Significance.

NM_025114.4(CEP290):c.6083A>G (p.Lys2028Arg)

Gene: CEP290 (centrosomal protein 290; minus strand). Cytogenetic location: 12q21.32.
Variant type: single nucleotide variant.
Coding change: c.6083A>G on transcript NM_025114.4 (MANE Select); coding-DNA position 6083, A replaced by G.
Protein change: p.Lys2028Arg; replaces lysine 2028 with arginine.
Molecular consequence: missense variant.
Genome position (GRCh38, 1-based): chr12:88,068,574, T>C on the plus strand (A>G on the coding strand, the complement: CEP290 is on the minus strand). VCF-style: chr12-88068574-T-C. GRCh37 (hg19) VCF-style: chr12-88462351-T-C.
Other names: short protein forms K2028R.
Identifiers: ClinVar variation 2141980 (VCV002141980.3), dbSNP rs749626770, ClinGen allele CA6711579.
Genomic context (GRCh38, chr12:88,068,574, plus strand): 5'-ACACTTACTGAAGGCTTAGAATATGTATCCTTTGAAAACTGTTTTTCTAAAGCATGAAGT[T>C]TTTCTTGGAGGTATCTATTTTGTAAATGTAAATCTTCTACAACAGAATCTCGAGGAAGAG-3'
Protein context (NP_079390.3, residues 2018-2038): LHLQNRYLQE[Lys2028Arg]LHALEKQFSK